The following is an entry in ClinVar:

ClinVar aggregate classification (germline): Uncertain significance (1 of 4 stars; one submission).

Conditions:
Peroxisome biogenesis disorder, complementation group 7 (CG7). Also called: Peroxisome biogenesis disorder, complementation group B. Identifiers: MedGen C1864399.

Allele frequency attached by ClinVar (database versions not stated): TOPMed below 0.00001.
gnomAD v4.1: 1 of 1,430,702 alleles (0.00007%); highest among the groups gnomAD compares: Non-Finnish European, 0.000091%; no homozygotes.

Submission:

Labcorp Genetics (formerly Invitae), Labcorp
Classification: Uncertain significance for Peroxisome biogenesis disorder, complementation group 7. Last evaluated: 2024-03-04. Review status: criteria provided, single submitter. Criteria: Invitae Variant Classification Sherloc (09022015). Collection method: clinical testing. Allele origin: germline.
Comment: This sequence change replaces arginine, which is basic and polar, with cysteine, which is neutral and slightly polar, at codon 22 of the PEX10 protein (p.Arg22Cys). This variant is not present in population databases (gnomAD no frequency). This variant has not been reported in the literature in individuals affected with PEX10-related conditions. ClinVar contains an entry for this variant (Variation ID: 1950464). An algorithm developed to predict the effect of missense changes on protein structure and function (PolyPhen-2) suggests that this variant is likely to be tolerated. In summary, the available evidence is currently insufficient to determine the role of this variant in disease. Therefore, it has been classified as a Variant of Uncertain Significance.

NM_002617.4(PEX10):c.64C>T (p.Arg22Cys)

Gene: PEX10 (peroxisomal biogenesis factor 10; minus strand). Cytogenetic location: 1p36.32.
Variant type: single nucleotide variant.
Coding change: c.64C>T on transcript NM_002617.4 (MANE Select); coding-DNA position 64, C replaced by T.
Protein change: p.Arg22Cys; replaces arginine 22 with cysteine.
Molecular consequence: missense variant. On other transcripts: intron variant (2).
Genome position (GRCh38, 1-based): chr1:2,412,439, G>A on the plus strand (C>T on the coding strand, the complement: PEX10 is on the minus strand). VCF-style: chr1-2412439-G-A. GRCh37 (hg19) VCF-style: chr1-2343878-G-A.
Other names: c.64C>T, p.Arg22Cys (NM_001374425.1, NM_153818.2); c.-321+1158C>T (NM_001374427.1, NM_001374426.1); short protein forms R22C.
Identifiers: ClinVar variation 1950464 (VCV001950464.4), dbSNP rs758406273, ClinGen allele CA337990529.
Genomic context (GRCh38, chr1:2,412,439, plus strand): 5'-CCCGGCCCTCACCCGCCAGGCTGTGCAGGGCGCCGCCCGCCGCGCTCCGCAGCCCACCGC[G>A]GTAGTACTCGTCCTTCTGCGCCGCGCGGATCACCTCCGGGGGGCTGGCGGCGGCCGGGGC-3'
Protein context (NP_002608.1, residues 12-32): IRAAQKDEYY[Arg22Cys]GGLRSAAGGA